The following is an entry in ClinVar:

NM_000169.3(GLA):c.334C>A (p.Arg112Ser)

Genes: GLA (galactosidase alpha; minus strand), RPL36A-HNRNPH2 (RPL36A-HNRNPH2 readthrough; plus strand). Cytogenetic location: Xq22.1.
Variant type: single nucleotide variant.
Coding change: c.334C>A on transcript NM_000169.3 (MANE Select); coding-DNA position 334, C replaced by A.
Protein change: p.Arg112Ser; replaces arginine 112 with serine.
Molecular consequence: missense variant. On other transcripts: non-coding transcript variant (3), intron variant (2).
Genome position (GRCh38, 1-based): chrX:101,403,846, G>T on the plus strand (C>A on the coding strand, the complement: GLA is on the minus strand). VCF-style: chrX-101403846-G-T. GRCh37 (hg19) VCF-style: chrX-100658834-G-T.
Other names: c.457C>A, p.Arg153Ser (NM_001406747.1, NM_001406749.1); c.334C>A, p.Arg112Ser (NM_001406748.1); c.301-8090G>T (NM_001199973.2); c.178-8090G>T (NM_001199974.2); short protein forms R112S, R153S.
Identifiers: ClinVar variation 4081422 (VCV004081422.3), dbSNP rs104894834.

ClinVar aggregate classification (germline): Likely pathogenic. Review status: criteria provided, multiple submitters, no conflicts (2 of 4 stars). 2 submissions from 2 submitters: Likely pathogenic (2). Last evaluated 2026-09-08.

Conditions:
Fabry disease. Also called: ALPHA-GALACTOSIDASE A DEFICIENCY; ANDERSON-FABRY DISEASE; CERAMIDE TRIHEXOSIDASE DEFICIENCY; GLA DEFICIENCY; HEREDITARY DYSTOPIC LIPIDOSIS; Angiokeratoma corporis diffusum. Identifiers: Orphanet 324, MedGen C0002986, MONDO:0010526, OMIM 301500, HP:0001071. Disease mechanism: Fabry disease is due to inactivating mutations in the X-linked GLA gene resulting in deficiency of the enzyme Alpha Galactosidase-A., loss of function.

Submissions (2):

Genomenon, Inc
Classification: Likely pathogenic for Fabry disease. Last evaluated: 2026-09-08. Review status: criteria provided, single submitter. Criteria: Genomenon Sequence Variant Interpretation Standards - Updated. Collection method: curation. Allele origin: germline. Affected: yes.
Comment: GLA p.Arg112Ser (c.334C>A) is a missense variant that changes the amino acid at codon 112 from Arginine to Serine. This variant has been observed in at least one proband with clinical features consistent with Fabry disease (PMID:26297554;26083343;16595074). At least one functional study has demonstrated a substantial alteration in protein function relative to the wild-type (PMID:27657681). It is absent or not present at a significant frequency in gnomAD. In silico models predict that this variant is possibly or probably damaging. In conclusion, we classify GLA p.Arg112Ser (c.334C>A) as a likely pathogenic variant.

Revvity Omics, Revvity
Classification: Likely pathogenic. Last evaluated: 2024-03-27. Review status: criteria provided, single submitter. Criteria: ACMG Guidelines, 2015. Collection method: clinical testing. Allele origin: germline.

Literature cited by the submitters: PubMed 26297554 (cited by Genomenon, Inc); PubMed 26083343 (cited by Genomenon, Inc); PubMed 16595074 (cited by Genomenon, Inc); PubMed 27657681 (cited by Genomenon, Inc).